The following is an entry in ClinVar:

NM_024665.7(TBL1XR1):c.1208G>A (p.Gly403Glu)

Gene: TBL1XR1 (TBL1X/Y related 1; minus strand). Cytogenetic location: 3q26.32.
Variant type: single nucleotide variant.
Coding change: c.1208G>A on transcript NM_024665.7 (MANE Select); coding-DNA position 1208, G replaced by A.
Protein change: p.Gly403Glu; replaces glycine 403 with glutamic acid.
Molecular consequence: missense variant.
Genome position (GRCh38, 1-based): chr3:177,034,240, C>T on the plus strand (G>A on the coding strand, the complement: TBL1XR1 is on the minus strand). VCF-style: chr3-177034240-C-T. GRCh37 (hg19) VCF-style: chr3-176752028-C-T.
Other names: c.1208G>A, p.Gly403Glu (NM_001321193.3, NM_001321194.3, NM_001374327.1 and 2 more transcripts); c.947G>A, p.Gly316Glu (NM_001321195.3, NM_001374330.1); short protein forms G316E, G403E.
Identifiers: ClinVar variation 4855722 (VCV004855722.1).

ClinVar aggregate classification (germline): Uncertain significance (1 of 4 stars; one submission).

Conditions:
TBL1XR1-related disorder. Also called: TBL1XR1-related condition; TBL1XR1-related disorders. Identifiers: MedGen CN382633, MONDO:1060313.

Submission:

3billion
Classification: Uncertain significance for TBL1XR1-related disorder. Last evaluated: 2025-05-28. Review status: criteria provided, single submitter. Criteria: ACMG Guidelines, 2015. Collection method: clinical testing. Allele origin: germline. Affected: yes.
Comment: The variant is not observed in the gnomAD v4.1.0 dataset. Predicted Consequence/Location: Missense variant. In silico tool predictions suggest damaging effect of the variant on gene or gene product [REVEL: 0.86 (>=0.6, sensitivity 0.68 and specificity 0.92)]. Therefore, this variant is classified as VUS according to the recommendation of ACMG/AMP guideline.